The following is an entry in ClinVar:

NM_001130009.3(GEN1):c.1172G>A (p.Ser391Asn)

Gene: GEN1 (GEN1 Holliday junction 5' flap endonuclease; plus strand). Cytogenetic location: 2p24.2.
Variant type: single nucleotide variant.
Coding change: c.1172G>A on transcript NM_001130009.3 (MANE Select); coding-DNA position 1172, G replaced by A.
Protein change: p.Ser391Asn; replaces serine 391 with asparagine.
Molecular consequence: missense variant.
Genome position (GRCh38, 1-based): chr2:17,774,371, G>A. VCF-style: chr2-17774371-G-A. GRCh37 (hg19) VCF-style: chr2-17955638-G-A.
Other names: c.1172G>A, p.Ser391Asn (NM_182625.5); short protein forms S391N.
Identifiers: ClinVar variation 3519777 (VCV003519777.1).

ClinVar aggregate classification (germline): Uncertain significance (1 of 4 stars; one submission).

gnomAD v4.1: 1 of 1,605,288 alleles (0.000062%); no homozygotes.

Submission:

Ambry Genetics
Classification: Uncertain significance. Last evaluated: 2024-12-08. Review status: criteria provided, single submitter. Criteria: Ambry Variant Classification Scheme 2023. Collection method: clinical testing. Allele origin: germline.
Comment: The p.S391N variant (also known as c.1172G>A), located in coding exon 10 of the GEN1 gene, results from a G to A substitution at nucleotide position 1172. The serine at codon 391 is replaced by asparagine, an amino acid with highly similar properties. This amino acid position is conserved. In addition, this alteration is predicted to be tolerated by in silico analysis. Based on the available evidence, the clinical significance of this variant remains unclear.